The following is an entry in ClinVar:

NM_000179.3(MSH6):c.4005A>C (p.Glu1335Asp)

Gene: MSH6 (mutS homolog 6; plus strand). Cytogenetic location: 2p16.3.
Variant type: single nucleotide variant.
Coding change: c.4005A>C on transcript NM_000179.3 (MANE Select); coding-DNA position 4005, A replaced by C.
Protein change: p.Glu1335Asp; replaces glutamic acid 1335 with aspartic acid.
Molecular consequence: missense variant.
Genome position (GRCh38, 1-based): chr2:47,806,782, A>C. VCF-style: chr2-47806782-A-C. GRCh37 (hg19) VCF-style: chr2-48033921-A-C.
Other names: c.3615A>C, p.Glu1205Asp (NM_001281492.2); c.3099A>C, p.Glu1033Asp (NM_001281493.2, NM_001281494.2); short protein forms E1335D, E1033D, E1205D.
Identifiers: ClinVar variation 188188 (VCV000188188.33), dbSNP rs786204130, ClinGen allele CA015307.

ClinVar aggregate classification (germline): Conflicting classifications of pathogenicity. Review status: criteria provided, conflicting classifications (1 of 4 stars). 13 submissions from 13 submitters: Uncertain significance (11); Benign (1). 1 of the submissions does not count toward it. Last evaluated 2025-12-05.

Conditions:
Hereditary cancer-predisposing syndrome. Also called: Neoplastic Syndromes, Hereditary; Hereditary neoplastic syndrome; Tumor predisposition; Hereditary Cancer Syndrome. Identifiers: Orphanet 140162, MedGen C0027672, MeSH D009386, MONDO:0015356.
Hereditary nonpolyposis colorectal neoplasms. Identifiers: MedGen C0009405, MeSH D003123.
Lynch syndrome. Identifiers: Orphanet 144, MedGen C4552100, MONDO:0005835. Disease mechanism: loss of function.
Lynch syndrome 5 (LYNCH5). Also called: Colorectal cancer, hereditary nonpolyposis, type 5; Hereditary non-polyposis colorectal cancer, type 5. Identifiers: Orphanet 144, MedGen C1833477, MONDO:0013710, OMIM 614350. Disease mechanism: loss of function.
Endometrial carcinoma. Also called: Endometrial carcinoma, somatic. Identifiers: MedGen C0476089, MONDO:0002447, OMIM 608089, HP:0012114.

Allele frequency attached by ClinVar (database versions not stated): gnomAD 0.00002; gnomAD exomes below 0.00001 and 0.00002; TOPMed 0.00002.

Submissions (13):

Ambry Genetics
Classification: Uncertain significance for Hereditary cancer-predisposing syndrome. Last evaluated: 2025-12-05. Review status: criteria provided, single submitter. Criteria: Ambry Variant Classification Scheme 2023. Collection method: clinical testing. Allele origin: germline.
Comment: The p.E1335D variant (also known as c.4005A>C), located in coding exon 10 of the MSH6 gene, results from an A to C substitution at nucleotide position 4005. The glutamic acid at codon 1335 is replaced by aspartic acid, an amino acid with highly similar properties. Another alteration at the same location, p.E1335A (c.4004A>C), has been reported in one family that met Amsterdam criteria and was shown to segregate with disease. This amino acid position is highly conserved in available vertebrate species. In addition, this alteration is predicted to be tolerated by in silico analysis. Since supporting evidence is limited at this time, the clinical significance of this alteration remains unclear.

Helix
Classification: Uncertain significance for Lynch syndrome 5. Last evaluated: 2025-08-25. Review status: criteria provided, single submitter. Criteria: ACMG Guidelines, 2015. Collection method: clinical testing. Allele origin: germline. Inheritance: Autosomal dominant inheritance.
Comment: This variant (NM_000179.3:c.4005A>C p.Glu1335Asp) results in the substitution of glutamic acid with aspartic acid at codon 1335 in the MSH6 protein. It is present in the gnomAD population database (v4.1) at the highest allele frequency in the African/African American subpopulation among non-founder subpopulations (3/73106 alleles, 0.0041%). To our knowledge, this variant has not been reported in individuals with MSH6-related conditions in the published literature. In silico prediction from SpliceAI (PMID: 30661751) is inconclusive. In silico prediction from the HCI Database of Prior Probabilities of Pathogenicity suggests that this variant may be benign. This variant is present in ClinVar (Accession: VCV000188188.29). In conclusion, since the available evidence is limited, the clinical significance of this variant is unclear at this time. Therefore, it is classified as a Variant of Uncertain Significance.

Labcorp Genetics (formerly Invitae), Labcorp
Classification: Benign for Hereditary nonpolyposis colorectal neoplasms. Last evaluated: 2025-08-07. Review status: criteria provided, single submitter. Criteria: Invitae Variant Classification Sherloc (09022015). Collection method: clinical testing. Allele origin: germline.

Color Diagnostics, LLC DBA Color Health
Classification: Uncertain significance for Hereditary cancer-predisposing syndrome. Last evaluated: 2025-07-21. Review status: criteria provided, single submitter. Criteria: ACMG Guidelines, 2015. Collection method: clinical testing. Allele origin: germline.
Comment: This missense variant replaces glutamic acid with aspartic acid at codon 1335 of the MSH6 protein. Computational prediction suggests that this variant may not impact protein structure and function. To our knowledge, functional studies have not been reported for this variant. This variant has not been reported in individuals affected with MSH6-related disorders in the literature. This variant has been identified in 1/238052 chromosomes in the general population by the Genome Aggregation Database (gnomAD). The available evidence is insufficient to determine the role of this variant in disease conclusively. Therefore, this variant is classified as a Variant of Uncertain Significance.

Molecular Pathology, Peter Maccallum Cancer Centre
Classification: Uncertain significance for Lynch syndrome 5. Last evaluated: 2025-06-05. Review status: criteria provided, single submitter. Criteria: ACMG Guidelines, 2015. Collection method: clinical testing. Allele origin: germline. Inheritance: Autosomal dominant inheritance.

All of Us Research Program, National Institutes of Health
Classification: Uncertain significance for Lynch syndrome. Last evaluated: 2024-09-23. Review status: criteria provided, single submitter. Criteria: ACMG Guidelines, 2015. Collection method: clinical testing. Allele origin: germline. Inheritance: Autosomal dominant inheritance. Observed: 8 variant alleles, 8 heterozygotes.
Comment: This missense variant replaces glutamic acid with aspartic acid at codon 1335 of the MSH6 protein. Computational prediction suggests that this variant may not impact protein structure and function (internally defined REVEL score threshold <= 0.5, PMID: 27666373). To our knowledge, functional studies have not been reported for this variant. This variant has not been reported in individuals affected with MSH6-related disorders in the literature. This variant has been identified in 1/238052 chromosomes in the general population by the Genome Aggregation Database (gnomAD). The available evidence is insufficient to determine the role of this variant in disease conclusively. Therefore, this variant is classified as a Variant of Uncertain Significance.

This study involves interpretation of variants in research participants for the purpose of population health screening. Participant phenotype was not available at the time of variant classification. Additional details can be found in publication PMID: 35346344, PMCID: PMC8962531

GeneDx
Classification: Uncertain significance. Last evaluated: 2024-07-31. Review status: criteria provided, single submitter. Criteria: GeneDx Variant Classification Process June 2021. Collection method: clinical testing. Allele origin: germline.
Comment: Absent from cases but observed in one control in a breast cancer case-control study (PMID: 33471991); Not observed at significant frequency in large population cohorts (gnomAD); In silico analysis indicates that this missense variant does not alter protein structure/function; This variant is associated with the following publications: (PMID: 23523604, 29386642, 17531815, 21120944, 12019211, 33471991)

Baylor Genetics
Classification: Uncertain significance for Endometrial carcinoma. Last evaluated: 2024-03-03. Review status: criteria provided, single submitter. Criteria: ACMG Guidelines, 2015. Collection method: clinical testing. Allele origin: unknown.

Women's Health and Genetics/Laboratory Corporation of America, LabCorp
Classification: Uncertain significance. Last evaluated: 2024-01-08. Review status: criteria provided, single submitter. Criteria: LabCorp Variant Classification Summary - May 2015. Collection method: clinical testing. Allele origin: germline.
Comment: Variant summary: MSH6 c.4005A>C (p.Glu1335Asp) results in a conservative amino acid change in the encoded protein sequence. Four of five in-silico tools predict a benign effect of the variant on protein function. The variant allele was found at a frequency of 4.1e-06 in 242940 control chromosomes. The available data on variant occurrences in the general population are insufficient to allow any conclusion about variant significance. To our knowledge, no occurrence of c.4005A>C in individuals affected with Prostate Cancer and no experimental evidence demonstrating its impact on protein function have been reported. ClinVar contains an entry for this variant (Variation ID: 188188). Based on the evidence outlined above, the variant was classified as uncertain significance.

Myriad Genetics, Inc.
Classification: Uncertain significance for Lynch syndrome 5. Last evaluated: 2023-03-28. Review status: criteria provided, single submitter. Criteria: Myriad Autosomal Dominant, Autosomal Recessive and X-Linked Classification Criteria (2023). Collection method: clinical testing. Allele origin: unknown.
Comment: This variant is classified as a variant of uncertain significance as there is insufficient evidence to determine its impact on protein function and/or cancer risk.

Sema4
Classification: Uncertain significance for Hereditary cancer-predisposing syndrome. Last evaluated: 2022-02-18. Review status: criteria provided, single submitter. Criteria: Sema4 Curation Guidelines. Collection method: curation. Allele origin: germline.
Comment: To the best of our knowledge, the MSH6 c.4005A>C (p.E1335D) variant has not been reported in individuals with MSH6-related disease. It has been reported in a large case-control study in 0/60466 breast cancer cases and 1/53461 controls (PMID: 33471991). It was observed in 2/24498 chromosomes of the African/African American subpopulation in the large and broad cohorts of the Genome Aggregation Database (PMID: 32461654). This variant has been reported in ClinVar (Variation ID 188188). Functional studies have not been performed, and in silico predictions of the variant's effect on protein function are inconclusive. The evidence is insufficient to meet ACMG/AMP criteria for classifying the variant as benign or pathogenic. Thus, the clinical significance of this variant is currently uncertain.

Quest Diagnostics Nichols Institute San Juan Capistrano
Classification: Uncertain significance. Last evaluated: 2021-02-02. Review status: criteria provided, single submitter. Criteria: Quest Diagnostics criteria. Collection method: clinical testing. Allele origin: unknown.

Counsyl
Classification: Uncertain significance for Lynch syndrome 5. Last evaluated: 2018-05-01. Review status: no assertion criteria provided. Collection method: clinical testing. Allele origin: unknown. Not counted in ClinVar's aggregate classification.

Literature cited by the submitters: PubMed 23523604 (cited by Ambry Genetics); PubMed 33471991 (cited by Sema4).